The following is an entry in ClinVar:

NM_001114753.3(ENG):c.935C>T (p.Ala312Val)

Gene: ENG (endoglin; minus strand). Cytogenetic location: 9q34.11.
Variant type: single nucleotide variant.
Coding change: c.935C>T on transcript NM_001114753.3 (MANE Select); coding-DNA position 935, C replaced by T.
Protein change: p.Ala312Val; replaces alanine 312 with valine.
Molecular consequence: missense variant.
Genome position (GRCh38, 1-based): chr9:127,824,856, G>A on the plus strand (C>T on the coding strand, the complement: ENG is on the minus strand). VCF-style: chr9-127824856-G-A. GRCh37 (hg19) VCF-style: chr9-130587135-G-A.
Other names: c.935C>T, p.Ala312Val (NM_000118.4, NM_001406715.1); c.389C>T, p.Ala130Val (NM_001278138.2); short protein forms A130V, A312V.
Identifiers: ClinVar variation 3896073 (VCV003896073.1).

ClinVar aggregate classification (germline): Uncertain significance (1 of 4 stars; one submission).

Submission:

Women's Health and Genetics/Laboratory Corporation of America, LabCorp
Classification: Uncertain significance. Last evaluated: 2025-03-20. Review status: criteria provided, single submitter. Criteria: LabCorp Variant Classification Summary - May 2015. Collection method: clinical testing. Allele origin: germline.
Comment: Variant summary: ENG c.935C>T (p.Ala312Val) results in a non-conservative amino acid change in the encoded protein sequence. Three of four in-silico tools predict a benign effect of the variant on protein function. The frequency data for this variant in gnomAD is considered unreliable, as metrics indicate poor data quality at this position. To our knowledge, no occurrence of c.935C>T in individuals affected with Hereditary Hemorrhagic Telangiectasia and no experimental evidence demonstrating its impact on protein function have been reported. No submitters have cited clinical-significance assessments for this variant to ClinVar. Based on the evidence outlined above, the variant was classified as uncertain significance.